The following is an entry in ClinVar:

ClinVar aggregate classification (germline): Uncertain significance (1 of 4 stars; one submission).

gnomAD v4.1: 2 of 1,607,550 alleles (0.00012%); highest among the groups gnomAD compares: Non-Finnish European, 0.00017%; no homozygotes.

Submission:

Labcorp Genetics (formerly Invitae), Labcorp
Classification: Uncertain significance. Last evaluated: 2022-10-17. Review status: criteria provided, single submitter. Criteria: Invitae Variant Classification Sherloc (09022015). Collection method: clinical testing. Allele origin: germline.
Comment: This sequence change replaces isoleucine, which is neutral and non-polar, with methionine, which is neutral and non-polar, at codon 216 of the SLC6A19 protein (p.Ile216Met). This variant is not present in population databases (gnomAD no frequency). This variant has not been reported in the literature in individuals affected with SLC6A19-related conditions. ClinVar contains an entry for this variant (Variation ID: 1468005). Advanced modeling of protein sequence and biophysical properties (such as structural, functional, and spatial information, amino acid conservation, physicochemical variation, residue mobility, and thermodynamic stability) performed at Invitae indicates that this missense variant is expected to disrupt SLC6A19 protein function. In summary, the available evidence is currently insufficient to determine the role of this variant in disease. Therefore, it has been classified as a Variant of Uncertain Significance.

NM_001003841.3(SLC6A19):c.648C>G (p.Ile216Met)

Gene: SLC6A19 (solute carrier family 6 member 19; plus strand). Cytogenetic location: 5p15.33.
Variant type: single nucleotide variant.
Coding change: c.648C>G on transcript NM_001003841.3 (MANE Select); coding-DNA position 648, C replaced by G.
Protein change: p.Ile216Met; replaces isoleucine 216 with methionine.
Molecular consequence: missense variant.
Genome position (GRCh38, 1-based): chr5:1,212,469, C>G. VCF-style: chr5-1212469-C-G. GRCh37 (hg19) VCF-style: chr5-1212584-C-G.
Other names: short protein forms I216M.
Identifiers: ClinVar variation 1468005 (VCV001468005.5), dbSNP rs775407906, ClinGen allele CA112940804.